The following is an entry in ClinVar:

ClinVar aggregate classification (germline): Pathogenic (1 of 4 stars; one submission).

Submission:

ISCA Site 6
Classification: Pathogenic. Last evaluated: 2011-08-12. Review status: criteria provided, single submitter. Criteria: Kaminsky et al. (Genet Med. 2011). Collection method: clinical testing. Allele origin: unknown. Affected: yes. Observed: 1 variant allele.
Comment: Copy number variation identified through the course of routine clinical cytogenomic testing in postnatal populations. Clinical assertions have been curated as described in Kaminsky et al. 2011.

GRCh38/hg38 15q26.2-26.3(chr15:96069425-101849578)x1

Genes: IRAIN (IGF1R antisense imprinted non-protein coding RNA; minus strand), ADAMTS17 (ADAM metallopeptidase with thrombospondin type 1 motif 17; minus strand), ALDH1A3 (aldehyde dehydrogenase 1 family member A3; plus strand), ALDH1A3-AS1 (ALDH1A3 antisense RNA 1; minus strand), ARRDC4 (arrestin domain containing 4; plus strand) and 201 more. Cytogenetic location: 15q26.2-26.3.
Variant type: copy number loss.
Change: copy number 1 (one copy instead of two) of chr15:96,069,425-101,849,578 (5.78 Mb, GRCh38 coordinates, 1-based), cytogenetic band 15q26.2-26.3.
Identifiers: ClinVar variation 59388 (VCV000059388.2).